The following is an entry in ClinVar:

NM_024642.5(GALNT12):c.411G>A (p.Arg137=)

Gene: GALNT12 (polypeptide N-acetylgalactosaminyltransferase 12; plus strand). Cytogenetic location: 9q22.33.
Variant type: single nucleotide variant.
Coding change: c.411G>A on transcript NM_024642.5 (MANE Select); coding-DNA position 411, G replaced by A.
Protein change: p.Arg137=; no amino-acid change (arginine 137 retained).
Molecular consequence: synonymous variant.
Genome position (GRCh38, 1-based): chr9:98,823,295, G>A. VCF-style: chr9-98823295-G-A. GRCh37 (hg19) VCF-style: chr9-101585577-G-A.
Identifiers: ClinVar variation 772136 (VCV000772136.14), dbSNP rs758204776, ClinGen allele CA196816490.

ClinVar aggregate classification (germline): Benign/Likely benign. Review status: criteria provided, multiple submitters, no conflicts (2 of 4 stars). 3 submissions from 3 submitters: Benign (1); Likely benign (2). Last evaluated 2026-04-23.

Conditions:
Colorectal cancer, susceptibility to, 1. Also called: COLORECTAL ADENOMA AND CANCER, SUSCEPTIBILITY TO; COLORECTAL CANCER, SUSCEPTIBILITY TO, ON CHROMOSOME 9. Identifiers: MedGen C1837315, MONDO:0012132, OMIM 608812.

Allele frequency attached by ClinVar (database versions not stated): gnomAD exomes 0.00001; TOPMed below 0.00001; gnomAD 0.00001.
gnomAD v4.1: 19 of 1,614,044 alleles (0.0012%); highest among the groups gnomAD compares: African/African-American, 0.0027%; no homozygotes.

Submissions (3):

Myriad Genetics, Inc.
Classification: Benign for Colorectal cancer, susceptibility to, 1. Last evaluated: 2026-04-23. Review status: criteria provided, single submitter. Criteria: Myriad Autosomal Dominant, Autosomal Recessive and X-Linked Classification Criteria (2023). Collection method: clinical testing. Allele origin: unknown.
Comment: This variant is considered benign. This variant is a silent/synonymous amino acid change and it is not expected to impact splicing.

Labcorp Genetics (formerly Invitae), Labcorp
Classification: Likely benign. Last evaluated: 2018-11-20. Review status: criteria provided, single submitter. Criteria: Invitae Variant Classification Sherloc (09022015). Collection method: clinical testing. Allele origin: germline.

Ambry Genetics
Classification: Likely benign. Last evaluated: 2018-04-06. Review status: criteria provided, single submitter. Criteria: Ambry Variant Classification Scheme 2023. Collection method: clinical testing. Allele origin: germline.